The following is an entry in ClinVar:

ClinVar aggregate classification (germline): Uncertain significance (1 of 4 stars; one submission).

Conditions:
Cardiovascular phenotype. Identifiers: MedGen CN230736.

Submission:

Ambry Genetics
Classification: Uncertain significance for Cardiovascular phenotype. Last evaluated: 2014-11-21. Review status: criteria provided, single submitter. Criteria: Ambry Autosomal Dominant and X-Linked criteria (10/2015). Collection method: clinical testing. Allele origin: germline. Observed: 1 variant allele.
Comment: There is insufficient or conflicting evidence for classification of this alteration.

NM_001999.4(FBN2):c.4994A>G (p.Asn1665Ser)

Gene: FBN2 (fibrillin 2; minus strand). Cytogenetic location: 5q23.3.
Variant type: single nucleotide variant.
Coding change: c.4994A>G on transcript NM_001999.4 (MANE Select); coding-DNA position 4994, A replaced by G.
Protein change: p.Asn1665Ser; replaces asparagine 1665 with serine.
Molecular consequence: missense variant.
Genome position (GRCh38, 1-based): chr5:128,311,380, T>C on the plus strand (A>G on the coding strand, the complement: FBN2 is on the minus strand). VCF-style: chr5-128311380-T-C. GRCh37 (hg19) VCF-style: chr5-127647072-T-C.
Other names: short protein forms N1665S.
Identifiers: ClinVar variation 263342 (VCV000263342.3), dbSNP rs886038773, ClinGen allele CA10587606.